The following is an entry in ClinVar:

NM_004260.4(RECQL4):c.3062_3079dup (p.Arg1021_Val1026dup)

Gene: RECQL4 (RecQ like helicase 4; minus strand). Cytogenetic location: 8q24.3.
Variant type: Duplication.
Coding change: c.3062_3079dup on transcript NM_004260.4 (MANE Select); coding-DNA positions 3062 to 3079, 18 bases duplicated (GGCGTGGGACAGGGGTGC).
Protein change: p.Arg1021_Val1026dup.
Molecular consequence: inframe insertion.
Genome position (GRCh38, 1-based): chr8:144,512,301-144,512,318, GCACCCCTGTCCCACGCC duplicated on the plus strand (GGCGTGGGACAGGGGTGC on the coding strand, the reverse complement: RECQL4 is on the minus strand); duplicating any 18 consecutive bases within chr8:144,512,301-144,512,322 gives the same sequence; the c. name uses the placement nearest the transcript's 3' end. VCF-style (leftmost placement, unchanged base first): chr8-144512300-A-AGCACCCCTGTCCCACGCC. GRCh37 (hg19) VCF-style: chr8-145737683-A-AGCACCCCTGTCCCACGCC.
Identifiers: ClinVar variation 998619 (VCV000998619.2), dbSNP rs1310379257, ClinGen allele CA463565971.

ClinVar aggregate classification (germline): Uncertain significance (1 of 4 stars; one submission).

Conditions:
Baller-Gerold syndrome (BGS). Also called: CRANIOSYNOSTOSIS WITH RADIAL DEFECTS. Identifiers: Orphanet 1225, MedGen C0265308, MONDO:0009039, OMIM 218600.

Submission:

Labcorp Genetics (formerly Invitae), Labcorp
Classification: Uncertain significance for Baller-Gerold syndrome. Last evaluated: 2022-08-01. Review status: criteria provided, single submitter. Criteria: Invitae Variant Classification Sherloc (09022015). Collection method: clinical testing. Allele origin: germline.
Comment: This variant, c.3062_3079dup, results in the insertion of 6 amino acid(s) of the RECQL4 protein (p.Arg1021_Val1026dup), but otherwise preserves the integrity of the reading frame. This variant is present in population databases (no rsID available, gnomAD 0.0009%). This variant has not been reported in the literature in individuals affected with RECQL4-related conditions. ClinVar contains an entry for this variant (Variation ID: 998619). Experimental studies and prediction algorithms are not available or were not evaluated, and the functional significance of this variant is currently unknown. Algorithms developed to predict the effect of sequence changes on RNA splicing suggest that this variant may disrupt the consensus splice site. In summary, the available evidence is currently insufficient to determine the role of this variant in disease. Therefore, it has been classified as a Variant of Uncertain Significance.